The following is an entry in ClinVar:

ClinVar aggregate classification (germline): Uncertain significance (1 of 4 stars; one submission).

Allele frequency attached by ClinVar (database versions not stated): TOPMed below 0.00001; gnomAD exomes 0.00001 and 0.00002; ExAC 0.00008.
gnomAD v4.1: 11 of 1,548,304 alleles (0.00071%); highest among the groups gnomAD compares: South Asian, 0.013%; no homozygotes.

Submission:

Labcorp Genetics (formerly Invitae), Labcorp
Classification: Uncertain significance. Last evaluated: 2021-01-19. Review status: criteria provided, single submitter. Criteria: Invitae Variant Classification Sherloc (09022015). Collection method: clinical testing. Allele origin: germline.
Comment: Algorithms developed to predict the effect of missense changes on protein structure and function output the following: SIFT: "Tolerated"; PolyPhen-2: "Benign"; Align-GVGD: "Class C0". The valine amino acid residue is found in multiple mammalian species, suggesting that this missense change does not adversely affect protein function. These predictions have not been confirmed by published functional studies and their clinical significance is uncertain. In summary, the available evidence is currently insufficient to determine the role of this variant in disease. Therefore, it has been classified as a Variant of Uncertain Significance. This variant has not been reported in the literature in individuals with SAMD11-related conditions. While this variant is present in population databases (rs748489927), the frequency information is unreliable, as metrics indicate poor data quality at this position in the ExAC database. This sequence change replaces alanine with valine at codon 442 of the SAMD11 protein (p.Ala442Val). The alanine residue is moderately conserved and there is a small physicochemical difference between alanine and valine.

NM_001385641.1(SAMD11):c.1814C>T (p.Ala605Val)

Gene: SAMD11 (sterile alpha motif domain containing 11; plus strand). Cytogenetic location: 1p36.33.
Variant type: single nucleotide variant.
Coding change: c.1814C>T on transcript NM_001385641.1 (MANE Select); coding-DNA position 1814, C replaced by T.
Protein change: p.Ala605Val; replaces alanine 605 with valine.
Molecular consequence: missense variant.
Genome position (GRCh38, 1-based): chr1:942,819, C>T. VCF-style: chr1-942819-C-T. GRCh37 (hg19) VCF-style: chr1-878199-C-T.
Other names: c.1817C>T, p.Ala606Val (NM_001385640.1); c.1325C>T, p.Ala442Val (NM_152486.4); short protein forms A442V, A606V, A605V.
Identifiers: ClinVar variation 1042884 (VCV001042884.8), dbSNP rs748489927, ClinGen allele CA502998.
Genomic context (GRCh38, chr1:942,819, plus strand): 5'-CCCCGTCCCGGGACTCTGCCCGGCGAGCCCCCCGGAAGGGGGGTCCCGGCCCTGCCTCAG[C>T]GCGGCCCAGCGAGTCCAAGGAGATGACGGGGGCTAGGCTCTGGGCACAAGATGGCTCGGA-3'
Protein context (NP_001372570.1, residues 595-615): PRKGGPGPAS[Ala605Val]RPSESKEMTG